The following is an entry in ClinVar:

ClinVar aggregate classification (germline): Uncertain significance. Review status: criteria provided, multiple submitters, no conflicts (2 of 4 stars). 2 submissions from 2 submitters: Uncertain significance (2). Last evaluated 2022-12-12.

Conditions:
Renal cell carcinoma. Identifiers: Orphanet 217071, MedGen C0007134, MeSH D002292, MONDO:0005086, HP:0005584.
Hereditary cancer-predisposing syndrome. Also called: Hereditary Cancer Syndrome; Tumor predisposition; Neoplastic Syndromes, Hereditary; Hereditary neoplastic syndrome. Identifiers: Orphanet 140162, MedGen C0027672, MeSH D009386, MONDO:0015356.

gnomAD v4.1: 5 of 1,613,972 alleles (0.00031%); highest among the groups gnomAD compares: Non-Finnish European, 0.00034%; no homozygotes.

Submissions (2):

Labcorp Genetics (formerly Invitae), Labcorp
Classification: Uncertain significance for Renal cell carcinoma. Last evaluated: 2022-12-12. Review status: criteria provided, single submitter. Criteria: Invitae Variant Classification Sherloc (09022015). Collection method: clinical testing. Allele origin: germline.
Comment: In summary, the available evidence is currently insufficient to determine the role of this variant in disease. Therefore, it has been classified as a Variant of Uncertain Significance. Advanced modeling of protein sequence and biophysical properties (such as structural, functional, and spatial information, amino acid conservation, physicochemical variation, residue mobility, and thermodynamic stability) performed at Invitae indicates that this missense variant is expected to disrupt MET protein function. ClinVar contains an entry for this variant (Variation ID: 1016149). This variant has not been reported in the literature in individuals affected with MET-related conditions. This variant is not present in population databases (gnomAD no frequency). This sequence change replaces tyrosine, which is neutral and polar, with cysteine, which is neutral and slightly polar, at codon 41 of the MET protein (p.Tyr41Cys).

Ambry Genetics
Classification: Uncertain significance for Hereditary cancer-predisposing syndrome. Last evaluated: 2022-08-22. Review status: criteria provided, single submitter. Criteria: Ambry Variant Classification Scheme 2023. Collection method: clinical testing. Allele origin: germline.
Comment: The p.Y41C variant (also known as c.122A>G), located in coding exon 1 of the MET gene, results from an A to G substitution at nucleotide position 122. The tyrosine at codon 41 is replaced by cysteine, an amino acid with highly dissimilar properties. This amino acid position is conserved. In addition, the in silico prediction for this alteration is inconclusive. Since supporting evidence is limited at this time, the clinical significance of this alteration remains unclear.

NM_000245.4(MET):c.122A>G (p.Tyr41Cys)

Gene: MET (MET proto-oncogene, receptor tyrosine kinase; plus strand). Cytogenetic location: 7q31.2.
Variant type: single nucleotide variant.
Coding change: c.122A>G on transcript NM_000245.4 (MANE Select); coding-DNA position 122, A replaced by G.
Protein change: p.Tyr41Cys; replaces tyrosine 41 with cysteine.
Molecular consequence: missense variant. On other transcripts: intron variant (1).
Genome position (GRCh38, 1-based): chr7:116,699,206, A>G. VCF-style: chr7-116699206-A-G. GRCh37 (hg19) VCF-style: chr7-116339260-A-G.
Other names: c.122A>G, p.Tyr41Cys (NM_001127500.3, NM_001324401.3); c.-91+26629A>G (NM_001324402.2); short protein forms Y41C.
Identifiers: ClinVar variation 1016149 (VCV001016149.11), dbSNP rs780358093, ClinGen allele CA164887801.